The following is an entry in ClinVar:

ClinVar aggregate classification (germline): Uncertain significance (1 of 4 stars; one submission).

Submission:

GeneDx
Classification: Uncertain significance. Last evaluated: 2023-02-27. Review status: criteria provided, single submitter. Criteria: GeneDx Variant Classification Process June 2021. Collection method: clinical testing. Allele origin: germline. Affected: yes.
Comment: Not observed at significant frequency in large population cohorts (gnomAD); Frameshift variant predicted to result in protein truncation as the last 51 amino acids are replaced with 42 different amino acids, although loss-of-function variants have not been reported downstream of this position in the protein; Has not been previously published as pathogenic or benign to our knowledge

NM_016333.4(SRRM2):c.8103del (p.Ser2702fs)

Gene: SRRM2 (serine/arginine repetitive matrix 2; plus strand). Cytogenetic location: 16p13.3.
Variant type: Deletion.
Coding change: c.8103del on transcript NM_016333.4 (MANE Select); coding-DNA position 8103, one base deleted (C; older notation c.8103delC).
Protein change: p.Ser2702fs; shifts the reading frame from serine 2702.
Molecular consequence: frameshift variant.
Genome position (GRCh38, 1-based): chr16:2,770,433, C deleted; the last of 3 consecutive C bases (chr16:2,770,431-2,770,433); deleting any one gives the same sequence. VCF-style (leftmost placement, unchanged base first): chr16-2770430-TC-T. GRCh37 (hg19) VCF-style: chr16-2820431-TC-T.
Other names: short protein forms S2702fs.
Identifiers: ClinVar variation 2577580 (VCV002577580.1), dbSNP rs2505622252, ClinGen allele CA2580617467.